The following is an entry in ClinVar:

ClinVar aggregate classification (germline): Benign/Likely benign. Review status: criteria provided, multiple submitters, no conflicts (2 of 4 stars). 2 submissions from 2 submitters: Benign (1); Likely benign (1). Last evaluated 2026-02-28.

Conditions:
Melanoma-pancreatic cancer syndrome. Identifiers: Orphanet 404560, MedGen C1838547, MONDO:0011713, OMIM 606719. Disease mechanism: loss of function.
Hereditary cancer-predisposing syndrome. Also called: Neoplastic Syndromes, Hereditary; Tumor predisposition; Hereditary neoplastic syndrome; Hereditary Cancer Syndrome. Identifiers: Orphanet 140162, MedGen C0027672, MeSH D009386, MONDO:0015356.

Submissions (2):

Ambry Genetics
Classification: Likely benign for Hereditary cancer-predisposing syndrome. Last evaluated: 2026-02-28. Review status: criteria provided, single submitter. Criteria: Ambry Variant Classification Scheme 2023. Collection method: clinical testing. Allele origin: germline.

Myriad Genetics, Inc.
Classification: Benign for Melanoma-pancreatic cancer syndrome. Last evaluated: 2025-08-12. Review status: criteria provided, single submitter. Criteria: Myriad Autosomal Dominant, Autosomal Recessive and X-Linked Classification Criteria (2023). Collection method: clinical testing. Allele origin: unknown.
Comment: This variant is considered benign. This variant is a silent/synonymous amino acid change and it is not expected to impact splicing.

NM_058195.4(CDKN2A):c.87G>A (p.Arg29=)

Gene: CDKN2A (cyclin dependent kinase inhibitor 2A; minus strand). Cytogenetic location: 9p21.3.
Variant type: single nucleotide variant.
Coding change: c.87G>A on transcript NM_058195.4 (MANE Plus Clinical); coding-DNA position 87, G replaced by A.
Protein change: p.Arg29=; no amino-acid change (arginine 29 retained).
Molecular consequence: synonymous variant. On other transcripts: intron variant (1).
Genome position (GRCh38, 1-based): chr9:21,994,245, C>T on the plus strand (G>A on the coding strand, the complement: CDKN2A is on the minus strand). VCF-style: chr9-21994245-C-T. GRCh37 (hg19) VCF-style: chr9-21994244-C-T.
Other names: c.-4+576G>A (NM_001363763.2).
Identifiers: ClinVar variation 4294160 (VCV004294160.2).